The following is an entry in ClinVar:

ClinVar aggregate classification (germline): Uncertain significance. Review status: criteria provided, multiple submitters, no conflicts (2 of 4 stars). 3 submissions from 3 submitters: Uncertain significance (3). Last evaluated 2025-03-12.

Conditions:
Inborn genetic diseases. Identifiers: MedGen C0950123, MeSH D030342.
VWF-related disorder. Also called: VWF-related disorders; VWF-related condition.

Allele frequency attached by ClinVar (database versions not stated): gnomAD 0.00003; TOPMed 0.00006.
gnomAD v4.1: 5 of 1,614,056 alleles (0.00031%); highest among the groups gnomAD compares: Admixed American, 0.0067%; no homozygotes.

Submissions (3):

Quest Diagnostics Nichols Institute San Juan Capistrano
Classification: Uncertain significance. Last evaluated: 2025-03-12. Review status: criteria provided, single submitter. Criteria: Quest Diagnostics criteria. Collection method: clinical testing. Allele origin: unknown.
Comment: The VWF c.6413A>G (p.His2138Arg) variant has not been reported in individuals with VWF-related conditions in the published literature. The frequency of this variant in the general population (Genome Aggregation Database) is uninformative in the assessment of its pathogenicity. Analysis of this variant using bioinformatics tools for the prediction of the effect of amino acid changes on protein structure and function yielded predictions that this variant is benign. Based on the available information, we are unable to determine the clinical significance of this variant.

Ambry Genetics
Classification: Uncertain significance for Inborn genetic diseases. Last evaluated: 2023-08-20. Review status: criteria provided, single submitter. Criteria: Ambry Variant Classification Scheme 2023. Collection method: clinical testing. Allele origin: germline.

PreventionGenetics, part of Exact Sciences
Classification: Uncertain significance for VWF-related condition. Last evaluated: 2022-11-21. Review status: criteria provided, single submitter. Criteria: ACMG Guidelines, 2015. Collection method: clinical testing. Allele origin: germline.
Comment: The VWF c.6413A>G variant is predicted to result in the amino acid substitution p.His2138Arg. To our knowledge, this variant has not been reported in the literature or in a large population database, indicating this variant is rare. At this time, the clinical significance of this variant is uncertain due to the absence of conclusive functional and genetic evidence.

NM_000552.5(VWF):c.6413A>G (p.His2138Arg)

Gene: VWF (von Willebrand factor; minus strand). Cytogenetic location: 12p13.31.
Variant type: single nucleotide variant.
Coding change: c.6413A>G on transcript NM_000552.5 (MANE Select); coding-DNA position 6413, A replaced by G.
Protein change: p.His2138Arg; replaces histidine 2138 with arginine.
Molecular consequence: missense variant.
Genome position (GRCh38, 1-based): chr12:5,994,047, T>C on the plus strand (A>G on the coding strand, the complement: VWF is on the minus strand). VCF-style: chr12-5994047-T-C. GRCh37 (hg19) VCF-style: chr12-6103213-T-C.
Other names: c.6413A>G (NM_000552.4); short protein forms H2138R.
Identifiers: ClinVar variation 2619616 (VCV002619616.4), dbSNP rs1943777564, ClinGen allele CA383491474.